The following is an entry in ClinVar:

NM_001042492.3(NF1):c.8238T>G (p.Ile2746Met)

Gene: NF1 (neurofibromin 1; plus strand). Cytogenetic location: 17q11.2.
Variant type: single nucleotide variant.
Coding change: c.8238T>G on transcript NM_001042492.3 (MANE Select); coding-DNA position 8238, T replaced by G.
Protein change: p.Ile2746Met; replaces isoleucine 2746 with methionine.
Molecular consequence: missense variant.
Genome position (GRCh38, 1-based): chr17:31,360,564, T>G. VCF-style: chr17-31360564-T-G. GRCh37 (hg19) VCF-style: chr17-29687582-T-G.
Other names: c.8175T>G, p.Ile2725Met (NM_000267.4); short protein forms I2725M, I2746M.
Identifiers: ClinVar variation 231655 (VCV000231655.17), dbSNP rs779789452, ClinGen allele CA8487780.

ClinVar aggregate classification (germline): Conflicting classifications of pathogenicity. Review status: criteria provided, conflicting classifications (1 of 4 stars). 7 submissions from 6 submitters: Uncertain significance (4); Benign (1); Likely benign (1). 1 of the submissions does not count toward it. Last evaluated 2025-12-02.

Conditions:
Hereditary cancer-predisposing syndrome. Also called: Hereditary Cancer Syndrome; Neoplastic Syndromes, Hereditary; Tumor predisposition; Hereditary neoplastic syndrome. Identifiers: Orphanet 140162, MedGen C0027672, MeSH D009386, MONDO:0015356.
NF1-related disorder. Also called: NF1-related condition. Identifiers: MedGen CN379171.
Cardiovascular phenotype. Identifiers: MedGen CN230736.
Café-au-lait macules with pulmonary stenosis (WTSN). Also called: PULMONIC STENOSIS WITH CAFE-AU-LAIT SPOTS. Identifiers: MedGen C0553586, MONDO:0008672, OMIM 193520.
Juvenile myelomonocytic leukemia (JMML). Also called: LEUKEMIA, JUVENILE MYELOMONOCYTIC, SOMATIC. Identifiers: Orphanet 86834, MedGen C0349639, MONDO:0011908, OMIM 607785, HP:0012209.
Neurofibromatosis-Noonan syndrome (NFNS). Also called: NEUROFIBROMATOSIS WITH NOONAN PHENOTYPE. Identifiers: Orphanet 638, MedGen C2931482, MONDO:0011035, OMIM 601321. Disease mechanism: loss of function.
Neurofibromatosis, familial spinal (FSNF). Identifiers: Orphanet 636, MedGen C1834235, MONDO:0008078, OMIM 162210. Disease mechanism: loss of function.
Neurofibromatosis, type 1 (NF1). Also called: Neurofibromatosis, type I; VON RECKLINGHAUSEN DISEASE; NEUROFIBROMATOSIS, TYPE I, SOMATIC; Peripheral type neurofibromatosis. Identifiers: Orphanet 636, MedGen C0027831, MONDO:0018975, OMIM 162200. Disease mechanism: loss of function.

Allele frequency attached by ClinVar (database versions not stated): ExAC 0.00001; gnomAD exomes 0.00001 and 0.00005.

Submissions (7):

Labcorp Genetics (formerly Invitae), Labcorp
Classification: Benign for Neurofibromatosis, type 1. Last evaluated: 2025-12-02. Review status: criteria provided, single submitter. Criteria: Invitae Variant Classification Sherloc (09022015). Collection method: clinical testing. Allele origin: germline.

Ambry Genetics
Classification: Likely benign for Cardiovascular phenotype; Hereditary cancer-predisposing syndrome. Last evaluated: 2023-01-04. Review status: criteria provided, single submitter. Criteria: Ambry Variant Classification Scheme 2023. Collection method: clinical testing. Allele origin: germline.

Genome-Nilou Lab
Classification: Uncertain significance for Neurofibromatosis, type 1. Last evaluated: 2022-03-15. Review status: criteria provided, single submitter. Criteria: ACMG Guidelines, 2015. Collection method: clinical testing. Allele origin: germline. Affected: no.

Fulgent Genetics
Classification: Uncertain significance for Neurofibromatosis, type 1; Neurofibromatosis, familial spinal; Café-au-lait macules with pulmonary stenosis; Neurofibromatosis-Noonan syndrome; Juvenile myelomonocytic leukemia. Last evaluated: 2021-08-18. Review status: criteria provided, single submitter. Criteria: ACMG Guidelines, 2015. Collection method: clinical testing. Allele origin: unknown.

Johns Hopkins Genomics, Johns Hopkins University
Classification: Uncertain significance for Neurofibromatosis, type 1. Last evaluated: 2021-04-01. Review status: criteria provided, single submitter. Criteria: ACMG Guidelines, 2015. Collection method: clinical testing. Allele origin: germline.
Comment: NF1 c.8238T>G (rs779789452) is rare (<0.1%) in a large population dataset (gnomAD: 2/251440 total alleles; 0.0008%; no homozygotes) and has not been reported in the literature, to our knowledge. This variant has been reported in ClinVar (Variation ID: 231655). Three bioinformatic tools queried predict that this substitution would be tolerated, however the isoleucine residue at this position is evolutionarily conserved across most species assessed. We consider the clinical significance of NF1 c.8238T>G to be uncertain at this time.

Ambry Genetics
Classification: Uncertain significance for Hereditary cancer-predisposing syndrome. Last evaluated: 2015-12-13. Review status: criteria provided, single submitter. Criteria: Ambry Autosomal Dominant and X-Linked criteria (10/2015). Collection method: clinical testing. Allele origin: germline. Observed: 1 variant allele.
Comment: The p.I2746M variant (also known as c.8238T>G), located in coding exon 57 of the NF1 gene, results from a T to G substitution at nucleotide position 8238. The isoleucine at codon 2746 is replaced by methionine, an amino acid with highly similar properties. This variant was not reported in population based cohorts in the following databases: Database of Single Nucleotide Polymorphisms (dbSNP), NHLBI Exome Sequencing Project (ESP), and 1000 Genomes Project. In the ESP, this variant was not observed in 6503 samples (13006 alleles) with coverage at this position. To date, this alteration has been detected with an allele frequency of approximately 0.003% (greater than 110000 alleles tested) in our clinical cohort. This amino acid position is well conserved in available vertebrate species. In addition, this alteration is predicted to be tolerated by in silico analysis. Since supporting evidence is limited at this time, the clinical significance of p.I2746M remains unclear.

PreventionGenetics, part of Exact Sciences
Classification: Uncertain significance for NF1-related condition. Last evaluated: 2024-06-03. Review status: no assertion criteria provided. Collection method: clinical testing. Allele origin: germline. Not counted in ClinVar's aggregate classification.
Comment: The NF1 c.8238T>G variant is predicted to result in the amino acid substitution p.Ile2746Met. To our knowledge, this variant has not been reported in the literature. This variant is reported in 2 of 251,000 alleles in gnomAD. It has conflicting interpretations of likely benign and uncertain significance in ClinVar. At this time, the clinical significance of this variant is uncertain due to the absence of conclusive functional and genetic evidence.